The following is an entry in ClinVar:

ClinVar aggregate classification (germline): Uncertain significance. Review status: criteria provided, single submitter (1 of 4 stars). 2 submissions from 2 submitters: Uncertain significance (1). 1 of the submissions does not count toward it. Last evaluated 2021-08-31.

Conditions:
Glycogen storage disease IV, classic hepatic. Also called: GSD IV, CLASSIC HEPATIC. Identifiers: MedGen C1856301.
Glycogen storage disease, type IV (GSD4). Also called: Glycogen storage disease due to glycogen branching enzyme deficiency; AMYLOPECTINOSIS; ANDERSEN DISEASE; BRANCHER DEFICIENCY; CIRRHOSIS, FAMILIAL, WITH DEPOSITION OF ABNORMAL GLYCOGEN; GBE1 DEFICIENCY. Identifiers: Orphanet 367, MedGen C0017923, MONDO:0009292, OMIM 232500.

Allele frequency attached by ClinVar (database versions not stated): gnomAD exomes 0.00001 and 0.00002; TOPMed 0.00002; ExAC 0.00003; ESP Exome Variant Server 0.00008.
gnomAD v4.1: 15 of 1,584,548 alleles (0.00095%); highest among the groups gnomAD compares: Middle Eastern, 0.067%; no homozygotes.

Submissions (2):

Labcorp Genetics (formerly Invitae), Labcorp
Classification: Uncertain significance for Glycogen storage disease, type IV; Glycogen storage disease IV, classic hepatic. Last evaluated: 2021-08-31. Review status: criteria provided, single submitter. Criteria: Invitae Variant Classification Sherloc (09022015). Collection method: clinical testing. Allele origin: germline.
Comment: This sequence change replaces tyrosine with cysteine at codon 594 of the GBE1 protein (p.Tyr594Cys). The tyrosine residue is weakly conserved and there is a large physicochemical difference between tyrosine and cysteine. This variant is present in population databases (rs370246900, ExAC 0.006%). This variant has not been reported in the literature in individuals affected with GBE1-related conditions. Algorithms developed to predict the effect of missense changes on protein structure and function output the following: SIFT: "Tolerated"; PolyPhen-2: "Benign"; Align-GVGD: "Class C0". The cysteine amino acid residue is found in multiple mammalian species, which suggests that this missense change does not adversely affect protein function. In summary, the available evidence is currently insufficient to determine the role of this variant in disease. Therefore, it has been classified as a Variant of Uncertain Significance.

Natera, Inc.
Classification: Uncertain significance for Glycogen storage disease type IV. Last evaluated: 2019-10-28. Review status: no assertion criteria provided. Collection method: clinical testing. Allele origin: germline. Not counted in ClinVar's aggregate classification.

NM_000158.4(GBE1):c.1781A>G (p.Tyr594Cys)

Gene: GBE1 (1,4-alpha-glucan branching enzyme 1; minus strand). Cytogenetic location: 3p12.2.
Variant type: single nucleotide variant.
Coding change: c.1781A>G on transcript NM_000158.4 (MANE Select); coding-DNA position 1781, A replaced by G.
Protein change: p.Tyr594Cys; replaces tyrosine 594 with cysteine.
Molecular consequence: missense variant.
Genome position (GRCh38, 1-based): chr3:81,536,933, T>C on the plus strand (A>G on the coding strand, the complement: GBE1 is on the minus strand). VCF-style: chr3-81536933-T-C. GRCh37 (hg19) VCF-style: chr3-81586084-T-C.
Other names: short protein forms Y594C.
Identifiers: ClinVar variation 526616 (VCV000526616.4), dbSNP rs370246900, ClinGen allele CA2499570.